The following is an entry in ClinVar:

NM_001166108.2(PALLD):c.2515G>A (p.Asp839Asn)

Genes: CBR4 (carbonyl reductase 4; minus strand), PALLD (palladin, cytoskeletal associated protein; plus strand). Cytogenetic location: 4q32.3.
Variant type: single nucleotide variant.
Coding change: c.2515G>A on transcript NM_001166108.2 (MANE Select); coding-DNA position 2515, G replaced by A.
Protein change: p.Asp839Asn; replaces aspartic acid 839 with asparagine.
Molecular consequence: missense variant.
Genome position (GRCh38, 1-based): chr4:168,903,799, G>A. VCF-style: chr4-168903799-G-A. GRCh37 (hg19) VCF-style: chr4-169824950-G-A.
Other names: c.1318G>A, p.Asp440Asn (NM_001166109.2); c.1003G>A, p.Asp335Asn (NM_001166110.2); c.343G>A, p.Asp115Asn (NM_001367567.1, NM_001367569.1); c.394G>A, p.Asp132Asn (NM_001367568.1, NM_001367570.1); c.2464G>A, p.Asp822Asn (NM_016081.4); short protein forms D132N, D822N, D839N, D440N, D335N, D115N.
Identifiers: ClinVar variation 3927533 (VCV003927533.1).
Genomic context (GRCh38, chr4:168,903,799, plus strand): 5'-CTTTGTTTCTATTCACAGATCTATTGGTTTAAAGATGGGAAGCAGATCTCTCCAAAGAGT[G>A]ATCACTACACCATTCAAAGAGATCTCGATGGGACCTGCTCCCTCCATACCACAGCCTCCA-3'
Protein context (NP_001159580.1, residues 829-849): KDGKQISPKS[Asp839Asn]HYTIQRDLDG

ClinVar aggregate classification (germline): Uncertain significance (1 of 4 stars; one submission).

Submission:

Ambry Genetics
Classification: Uncertain significance. Last evaluated: 2025-04-17. Review status: criteria provided, single submitter. Criteria: Ambry Variant Classification Scheme 2023. Collection method: clinical testing. Allele origin: germline.
Comment: The p.D335N variant (also known as c.1003G>A), located in coding exon 5 of the PALLD gene, results from a G to A substitution at nucleotide position 1003. The aspartic acid at codon 335 is replaced by asparagine, an amino acid with highly similar properties. This amino acid position is conserved. In addition, this alteration is predicted to be tolerated by in silico analysis. Based on the available evidence, the clinical significance of this variant remains unclear.